The following is an entry in ClinVar:

ClinVar aggregate classification (germline): Uncertain significance (1 of 4 stars; one submission).

Submission:

Labcorp Genetics (formerly Invitae), Labcorp
Classification: Uncertain significance. Last evaluated: 2024-12-19. Review status: criteria provided, single submitter. Criteria: Invitae Variant Classification Sherloc (09022015). Collection method: clinical testing. Allele origin: germline.
Comment: This variant, c.255_257dup, results in the insertion of 1 amino acid(s) of the LEMD3 protein (p.Ala87dup), but otherwise preserves the integrity of the reading frame. This variant is present in population databases (no rsID available, gnomAD 0.01%). This variant has not been reported in the literature in individuals affected with LEMD3-related conditions. Experimental studies and prediction algorithms are not available or were not evaluated, and the functional significance of this variant is currently unknown. In summary, the available evidence is currently insufficient to determine the role of this variant in disease. Therefore, it has been classified as a Variant of Uncertain Significance.

NM_014319.5(LEMD3):c.246GGC[5] (p.Ala87_Gly88insAla)

Gene: LEMD3 (LEM domain containing 3; plus strand). Cytogenetic location: 12q14.3.
Variant type: Microsatellite.
Coding change: c.246GGC[5] on transcript NM_014319.5 (MANE Select); five copies in a row of the 3-base unit GGC starting at c.246; the reference has four copies in a row; one copy, 3 bases duplicated.
Protein change: p.Ala87_Gly88insAla.
Molecular consequence: inframe insertion.
Genome position (GRCh38, 1-based): chr12:65,169,851-65,169,853, GGC duplicated; duplicating any 3 consecutive bases within chr12:65,169,840-65,169,853 gives the same sequence; the position shown is the placement nearest the transcript's 3' end. VCF-style (leftmost placement, unchanged base first): chr12-65169839-A-AGCG. GRCh37 (hg19) VCF-style: chr12-65563619-A-AGCG.
Other names: c.246GGC[5], p.Ala87_Gly88insAla (NM_001167614.2).
Identifiers: ClinVar variation 2914444 (VCV002914444.3), dbSNP rs911019879, ClinGen allele CA238907664.